The following is an entry in ClinVar:

ClinVar aggregate classification (germline): Uncertain significance (1 of 4 stars; one submission).

Conditions:
Primary ciliary dyskinesia 27. Also called: CILIARY DYSKINESIA, PRIMARY, 27, WITHOUT SITUS INVERSUS. Identifiers: Orphanet 244, MedGen C3809701, MONDO:0014215, OMIM 615504.

Allele frequency attached by ClinVar (database versions not stated): gnomAD exomes below 0.00001 and 0.00002; ExAC 0.00001; gnomAD 0.00001 and 0.00002; TOPMed 0.00002.
gnomAD v4.1: 34 of 1,614,062 alleles (0.0021%); highest among the groups gnomAD compares: Non-Finnish European, 0.0028%; no homozygotes.

Submission:

Labcorp Genetics (formerly Invitae), Labcorp
Classification: Uncertain significance for Primary ciliary dyskinesia 27. Last evaluated: 2020-10-01. Review status: criteria provided, single submitter. Criteria: Invitae Variant Classification Sherloc (09022015). Collection method: clinical testing. Allele origin: germline.
Comment: In summary, the available evidence is currently insufficient to determine the role of this variant in disease. Therefore, it has been classified as a Variant of Uncertain Significance. Algorithms developed to predict the effect of missense changes on protein structure and function are either unavailable or do not agree on the potential impact of this missense change (SIFT: "Tolerated"; PolyPhen-2: "Possibly Damaging"; Align-GVGD: "Class C0"). This variant has not been reported in the literature in individuals with CCDC65-related conditions. This variant is present in population databases (rs776694186, ExAC 0.002%). This sequence change replaces phenylalanine with leucine at codon 244 of the CCDC65 protein (p.Phe244Leu). The phenylalanine residue is highly conserved and there is a small physicochemical difference between phenylalanine and leucine.

NM_033124.5(DRC2):c.732T>A (p.Phe244Leu)

Gene: DRC2 (dynein regulatory complex subunit 2; plus strand). Cytogenetic location: 12q13.12.
Variant type: single nucleotide variant.
Coding change: c.732T>A on transcript NM_033124.5 (MANE Select); coding-DNA position 732, T replaced by A.
Protein change: p.Phe244Leu; replaces phenylalanine 244 with leucine.
Molecular consequence: missense variant.
Genome position (GRCh38, 1-based): chr12:48,918,397, T>A. VCF-style: chr12-48918397-T-A. GRCh37 (hg19) VCF-style: chr12-49312180-T-A.
Other names: c.303T>A, p.Phe101Leu (NM_001286957.2); short protein forms F101L, F244L.
Identifiers: ClinVar variation 1051136 (VCV001051136.9), dbSNP rs776694186, ClinGen allele CA6543320.